The following is an entry in ClinVar:

NM_001379291.1(BRD4):c.2482C>A (p.Leu828Met)

Gene: BRD4 (bromodomain containing 4; minus strand). Cytogenetic location: 19p13.12.
Variant type: single nucleotide variant.
Coding change: c.2482C>A on transcript NM_001379291.1 (MANE Select); coding-DNA position 2482, C replaced by A.
Protein change: p.Leu828Met; replaces leucine 828 with methionine.
Molecular consequence: missense variant.
Genome position (GRCh38, 1-based): chr19:15,244,330, G>T on the plus strand (C>A on the coding strand, the complement: BRD4 is on the minus strand). VCF-style: chr19-15244330-G-T. GRCh37 (hg19) VCF-style: chr19-15355141-G-T.
Other names: c.2482C>A, p.Leu828Met (NM_058243.3); short protein forms L828M.
Identifiers: ClinVar variation 4780043 (VCV004780043.1).

ClinVar aggregate classification (germline): Uncertain significance (1 of 4 stars; one submission).

Submission:

Labcorp Genetics (formerly Invitae), Labcorp
Classification: Uncertain significance. Last evaluated: 2025-06-19. Review status: criteria provided, single submitter. Criteria: Invitae Variant Classification Sherloc (09022015). Collection method: clinical testing. Allele origin: germline.
Comment: This sequence change replaces leucine, which is neutral and non-polar, with methionine, which is neutral and non-polar, at codon 828 of the BRD4 protein (p.Leu828Met). This variant is not present in population databases (gnomAD no frequency). This variant has not been reported in the literature in individuals affected with BRD4-related conditions. Invitae Evidence Modeling of protein sequence and biophysical properties (such as structural, functional, and spatial information, amino acid conservation, physicochemical variation, residue mobility, and thermodynamic stability) indicates that this missense variant is not expected to disrupt BRD4 protein function with a negative predictive value of 80%. In summary, the available evidence is currently insufficient to determine the role of this variant in disease. Therefore, it has been classified as a Variant of Uncertain Significance.